The following is an entry in ClinVar:

NM_004984.4(KIF5A):c.753G>C (p.Glu251Asp)

Gene: KIF5A (kinesin family member 5A; plus strand). Cytogenetic location: 12q13.3.
Variant type: single nucleotide variant.
Coding change: c.753G>C on transcript NM_004984.4 (MANE Select); coding-DNA position 753, G replaced by C.
Protein change: p.Glu251Asp; replaces glutamic acid 251 with aspartic acid.
Molecular consequence: missense variant.
Genome position (GRCh38, 1-based): chr12:57,569,001, G>C. VCF-style: chr12-57569001-G-C. GRCh37 (hg19) VCF-style: chr12-57962784-G-C.
Other names: c.486G>C, p.Glu162Asp (NM_001354705.2); c.753G>C (NM_004984.2); short protein forms E162D, E251D.
Identifiers: ClinVar variation 1711347 (VCV001711347.31), dbSNP rs2540499352, ClinGen allele CA385499985.

ClinVar aggregate classification (germline): Conflicting classifications of pathogenicity. Review status: criteria provided, conflicting classifications (1 of 4 stars). 2 submissions from 2 submitters: Likely pathogenic (1); Uncertain significance (1). Last evaluated 2025-07-17.

Conditions:
Inborn genetic diseases. Identifiers: MedGen C0950123, MeSH D030342.

Submissions (2):

Ambry Genetics
Classification: Uncertain significance for Inborn genetic diseases. Last evaluated: 2025-07-17. Review status: criteria provided, single submitter. Criteria: Ambry Variant Classification Scheme 2023. Collection method: clinical testing. Allele origin: germline.
Comment: The c.753G>C (p.E251D) alteration is located in exon 9 (coding exon 9) of the KIF5A gene. This alteration results from a G to C substitution at nucleotide position 753, causing the glutamic acid (E) at amino acid position 251 to be replaced by an aspartic acid (D). This variant was not reported in population-based cohorts in the Genome Aggregation Database (gnomAD). Another variant at the same codon, c.751G>A (p.E251K), has been identified in individual(s) with features consistent with KIF5A-related neurodegenerative disorder (Goizet, 2009; Iqbal, 2017). This amino acid position is highly conserved in available vertebrate species. This missense alteration is located in a region that has a low rate of benign missense variation (Lek, 2016; Firth, 2009). This alteration is predicted to be deleterious by in silico analysis. Based on insufficient or conflicting evidence, the clinical significance of this alteration remains unclear.

CeGaT Center for Human Genetics Tuebingen
Classification: Likely pathogenic. Last evaluated: 2022-07-01. Review status: criteria provided, single submitter. Criteria: CeGaT Center For Human Genetics Tuebingen Variant Classification Criteria Version 2. Collection method: clinical testing. Allele origin: germline. Affected: yes. Observed: 1 variant allele.
Comment: KIF5A: PM2, PM5, PP2, PP3

Literature cited by the submitters: PubMed 18853458 (cited by Ambry Genetics); PubMed 28362824 (cited by Ambry Genetics); PubMed 32506668 (cited by Ambry Genetics).